The following is an entry in ClinVar:

ClinVar aggregate classification (germline): Uncertain significance. Review status: criteria provided, multiple submitters, no conflicts (2 of 4 stars). 5 submissions from 5 submitters: Uncertain significance (5). Last evaluated 2026-05-08.

Conditions:
NPHP4-related disorder. Also called: NPHP4-related disorders; NPHP4-related condition. Identifiers: MedGen CN239384.
Nephronophthisis. Also called: Juvenile Nephronophthisis. Identifiers: Orphanet 655, MedGen C0687120, MONDO:0019005, HP:0000090.
Inborn genetic diseases. Identifiers: MedGen C0950123, MeSH D030342.

Allele frequency attached by ClinVar (database versions not stated): gnomAD 0.00003 and 0.00004; ExAC 0.00004; gnomAD exomes 0.00006; TOPMed 0.00008.
gnomAD v4.1: 69 of 1,613,222 alleles (0.0043%); highest among the groups gnomAD compares: Admixed American, 0.022%; 1 homozygote.

Submissions (5):

PreventionGenetics, part of Exact Sciences
Classification: Uncertain significance for NPHP4-related condition. Last evaluated: 2026-05-08. Review status: criteria provided, single submitter. Criteria: ACMG Guidelines, 2015. Collection method: clinical testing. Allele origin: germline.
Comment: The NPHP4 c.2962G>A variant is predicted to result in the amino acid substitution p.Ala988Thr. This variant has been reported in an individual with Bardet-Biedl syndrome (Table S4, Perea-Romero et al. 2022. PubMed ID: 35835773). This variant is reported in 0.020% of alleles in individuals of Latino descent in gnomAD. At this time, the clinical significance of this variant is uncertain due to the absence of conclusive functional and genetic evidence.

Blueprint Genetics
Classification: Uncertain significance. Last evaluated: 2024-06-07. Review status: criteria provided, single submitter. Criteria: ACMG Guidelines, 2015. Collection method: clinical testing. Allele origin: germline.

Labcorp Genetics (formerly Invitae), Labcorp
Classification: Uncertain significance for Nephronophthisis. Last evaluated: 2022-08-22. Review status: criteria provided, single submitter. Criteria: Invitae Variant Classification Sherloc (09022015). Collection method: clinical testing. Allele origin: germline.
Comment: This sequence change replaces alanine, which is neutral and non-polar, with threonine, which is neutral and polar, at codon 988 of the NPHP4 protein (p.Ala988Thr). This variant is present in population databases (rs770053255, gnomAD 0.01%). This variant has not been reported in the literature in individuals affected with NPHP4-related conditions. ClinVar contains an entry for this variant (Variation ID: 499335). Algorithms developed to predict the effect of missense changes on protein structure and function are either unavailable or do not agree on the potential impact of this missense change (SIFT: "Tolerated"; PolyPhen-2: "Probably Damaging"; Align-GVGD: "Class C0"). In summary, the available evidence is currently insufficient to determine the role of this variant in disease. Therefore, it has been classified as a Variant of Uncertain Significance.

Ambry Genetics
Classification: Uncertain significance for Inborn genetic diseases. Last evaluated: 2021-07-14. Review status: criteria provided, single submitter. Criteria: Ambry Variant Classification Scheme 2023. Collection method: clinical testing. Allele origin: germline.

Eurofins Ntd Llc (ga)
Classification: Uncertain significance. Last evaluated: 2016-12-20. Review status: criteria provided, single submitter. Criteria: EGL Classification Definitions 2015. Collection method: clinical testing. Allele origin: germline. Observed: 1 variant allele, 1 heterozygote.

NM_015102.5(NPHP4):c.2962G>A (p.Ala988Thr)

Gene: NPHP4 (nephrocystin 4; minus strand). Cytogenetic location: 1p36.31.
Variant type: single nucleotide variant.
Coding change: c.2962G>A on transcript NM_015102.5 (MANE Select); coding-DNA position 2962, G replaced by A.
Protein change: p.Ala988Thr; replaces alanine 988 with threonine.
Molecular consequence: missense variant. On other transcripts: non-coding transcript variant (1).
Genome position (GRCh38, 1-based): chr1:5,874,956, C>T on the plus strand (G>A on the coding strand, the complement: NPHP4 is on the minus strand). VCF-style: chr1-5874956-C-T. GRCh37 (hg19) VCF-style: chr1-5935016-C-T.
Other names: c.2962G>A (NM_015102.3, NM_015102.4); c.1423G>A, p.Ala475Thr (NM_001291593.2); c.1426G>A, p.Ala476Thr (NM_001291594.2); short protein forms A988T, A475T, A476T.
Identifiers: ClinVar variation 499335 (VCV000499335.10), dbSNP rs770053255, ClinGen allele CA553856.